The following is an entry in ClinVar:

ClinVar aggregate classification (germline): Uncertain significance (1 of 4 stars; one submission).

Submission:

GeneDx
Classification: Uncertain significance. Last evaluated: 2024-07-18. Review status: criteria provided, single submitter. Criteria: GeneDx Variant Classification Process June 2021. Collection method: clinical testing. Allele origin: germline. Affected: yes.
Comment: Not observed at significant frequency in large population cohorts (gnomAD); In silico analysis indicates that this variant does not alter splicing; Has not been previously published as pathogenic or benign to our knowledge

NM_004586.3(RPS6KA3):c.407-12T>G

Gene: RPS6KA3 (ribosomal protein S6 kinase A3; minus strand). Cytogenetic location: Xp22.12.
Variant type: single nucleotide variant.
Coding change: c.407-12T>G on transcript NM_004586.3 (MANE Select); 12 bases into the intron before coding-DNA position 407, T replaced by G.
Molecular consequence: intron variant.
Genome position (GRCh38, 1-based): chrX:20,194,280, A>C on the plus strand (T>G on the coding strand, the complement: RPS6KA3 is on the minus strand). VCF-style: chrX-20194280-A-C. GRCh37 (hg19) VCF-style: chrX-20212398-A-C.
Identifiers: ClinVar variation 3573862 (VCV003573862.1).